The following is an entry in ClinVar:

ClinVar aggregate classification (germline): Uncertain significance (1 of 4 stars; one submission).

Conditions:
Inborn genetic diseases. Identifiers: MedGen C0950123, MeSH D030342.

Submission:

Ambry Genetics
Classification: Uncertain significance for Inborn genetic diseases. Last evaluated: 2024-01-01. Review status: criteria provided, single submitter. Criteria: Ambry Variant Classification Scheme 2023. Collection method: clinical testing. Allele origin: germline.
Comment: The p.L722V variant (also known as c.2164C>G), located in coding exon 13 of the EPAS1 gene, results from a C to G substitution at nucleotide position 2164. The leucine at codon 722 is replaced by valine, an amino acid with highly similar properties. This amino acid position is conserved. In addition, this alteration is predicted to be tolerated by in silico analysis. Since supporting evidence is limited at this time, the clinical significance of this alteration remains unclear.

NM_001430.5(EPAS1):c.2164C>G (p.Leu722Val)

Gene: EPAS1 (endothelial PAS domain protein 1; plus strand). Cytogenetic location: 2p21.
Variant type: single nucleotide variant.
Coding change: c.2164C>G on transcript NM_001430.5 (MANE Select); coding-DNA position 2164, C replaced by G.
Protein change: p.Leu722Val; replaces leucine 722 with valine.
Molecular consequence: missense variant.
Genome position (GRCh38, 1-based): chr2:46,381,714, C>G. VCF-style: chr2-46381714-C-G. GRCh37 (hg19) VCF-style: chr2-46608853-C-G.
Other names: short protein forms L722V.
Identifiers: ClinVar variation 3221607 (VCV003221607.1), dbSNP rs2546479638, ClinGen allele CA346705670.
Genomic context (GRCh38, chr2:46,381,714, plus strand): 5'-CTCTCCAACAAGCTGAAGCTGAAGCGACAGCTGGAGTATGAAGAGCAAGCCTTCCAGGAC[C>G]TGAGCGGGGTGAGTCATCCCCACTGGCCACAGGGGCCTCTCCATAGCCCTTAGGGAACCC-3'
Protein context (NP_001421.2, residues 712-732): LEYEEQAFQD[Leu722Val]SGGDPPGGST